The following is an entry in ClinVar:

ClinVar aggregate classification (germline): Conflicting classifications of pathogenicity. Review status: criteria provided, conflicting classifications (1 of 4 stars). 2 submissions from 2 submitters: Likely pathogenic (1); Uncertain significance (1). Last evaluated 2025-08-12.

Conditions:
Inborn genetic diseases. Identifiers: MedGen C0950123, MeSH D030342.

Submissions (2):

Ambry Genetics
Classification: Likely pathogenic for Inborn genetic diseases. Last evaluated: 2025-08-12. Review status: criteria provided, single submitter. Criteria: Ambry Variant Classification Scheme 2023. Collection method: clinical testing. Allele origin: germline.
Comment: The c.794-20A>G intronic alteration results from an A to G substitution 20 nucleotides before coding exon 8 in the IVD gene. This variant was not reported in population-based cohorts in the Genome Aggregation Database (gnomAD). This nucleotide position is highly conserved in available vertebrate species. In silico splice site analysis predicts that this alteration will weaken the native splice acceptor site and may result in the creation or strengthening of a novel splice acceptor site. Based on the available evidence, this alteration is classified as likely pathogenic.

Eurofins Ntd Llc (ga)
Classification: Uncertain significance. Last evaluated: 2014-01-22. Review status: criteria provided, single submitter. Criteria: EGL Classification Definitions 2015. Collection method: clinical testing. Allele origin: germline. Observed: 2 variant alleles, 1 heterozygote, 1 homozygote.

NM_002225.5(IVD):c.785-20A>G

Gene: IVD (isovaleryl-CoA dehydrogenase; plus strand). Cytogenetic location: 15q15.1.
Variant type: single nucleotide variant.
Coding change: c.785-20A>G on transcript NM_002225.5 (MANE Select); 20 bases into the intron before coding-DNA position 785, A replaced by G.
Molecular consequence: intron variant.
Genome position (GRCh38, 1-based): chr15:40,414,869, A>G. VCF-style: chr15-40414869-A-G. GRCh37 (hg19) VCF-style: chr15-40707068-A-G.
Other names: c.794-20A>G (NM_002225.3); c.872-20A>G (NM_001354600.3, NM_001354599.3); c.785-20A>G (NM_001354598.3, NM_001354601.3); c.737-20A>G (NM_001354597.3); c.695-20A>G (NM_001159508.3).
Identifiers: ClinVar variation 167200 (VCV000167200.6), dbSNP rs727503970, ClinGen allele CA234136.